The following is an entry in ClinVar:

NM_006648.4(WNK2):c.4139C>A (p.Pro1380His)

Gene: WNK2 (WNK lysine deficient protein kinase 2; plus strand). Cytogenetic location: 9q22.31.
Variant type: single nucleotide variant.
Coding change: c.4139C>A on transcript NM_006648.4 (MANE Select); coding-DNA position 4139, C replaced by A.
Protein change: p.Pro1380His; replaces proline 1380 with histidine.
Molecular consequence: missense variant.
Genome position (GRCh38, 1-based): chr9:93,288,893, C>A. VCF-style: chr9-93288893-C-A. GRCh37 (hg19) VCF-style: chr9-96051175-C-A.
Other names: c.4250C>A, p.Pro1417His (NM_001282394.3); short protein forms P1417H, P1380H.
Identifiers: ClinVar variation 5031895 (VCV005031895.1).

ClinVar aggregate classification (germline): Uncertain significance (1 of 4 stars; one submission).

Submission:

Ambry Genetics
Classification: Uncertain significance. Last evaluated: 2026-08-02. Review status: criteria provided, single submitter. Criteria: Ambry Variant Classification Scheme 2023. Collection method: clinical testing. Allele origin: germline.
Comment: The p.P1380H variant (also known as c.4139C>A), located in coding exon 19 of the WNK2 gene, results from a C to A substitution at nucleotide position 4139. The proline at codon 1380 is replaced by histidine, an amino acid with similar properties. This amino acid position is conserved. In addition, this alteration is predicted to be tolerated by in silico analysis. Based on the available evidence, the clinical significance of this variant remains unclear.